The following is an entry in ClinVar:

NM_001109878.2(TBX22):c.1169C>A (p.Ala390Asp)

Gene: TBX22 (T-box transcription factor 22). Cytogenetic location: Xq21.1.
Variant type: single nucleotide variant.
Coding change: c.1169C>A on transcript NM_001109878.2 (MANE Select); coding-DNA position 1169, C replaced by A.
Protein change: p.Ala390Asp; replaces alanine 390 with aspartic acid.
Molecular consequence: missense variant.
Genome position (GRCh38, 1-based): chrX:80,030,717, C>A. VCF-style: chrX-80030717-C-A. GRCh37 (hg19) VCF-style: chrX-79286216-C-A.
Other names: c.809C>A, p.Ala270Asp (NM_001109879.2, NM_001303475.1); c.1169C>A, p.Ala390Asp (NM_016954.2); short protein forms A270D, A390D.
Identifiers: ClinVar variation 912660 (VCV000912660.4), dbSNP rs141303126, ClinGen allele CA10461387.

ClinVar aggregate classification (germline): Likely benign (1 of 4 stars; one submission).

Conditions:
Cleft palate with or without ankyloglossia, X-linked. Identifiers: Orphanet 324601, MedGen C1844830, MONDO:0010560, OMIM 303400.

Allele frequency attached by ClinVar (database versions not stated): gnomAD 0.00011 and 0.00022; TOPMed 0.00013; ExAC 0.00026; gnomAD exomes 0.00028 and 0.00031; 1000 Genomes Project 30x 0.00125; 1000 Genomes Project 0.00159.
gnomAD v4.1: 319 of 1,210,203 alleles (0.026%); highest among the groups gnomAD compares: East Asian, 0.93%; no homozygotes.

Submission:

Illumina Laboratory Services, Illumina
Classification: Likely benign for Cleft palate with or without ankyloglossia, X-linked. Last evaluated: 2017-04-28. Review status: criteria provided, single submitter. Criteria: ICSL Variant Classification Criteria 13 December 2019. Collection method: clinical testing. Allele origin: germline.
Comment: This variant was observed as part of a predisposition screen in an ostensibly healthy population. A literature search was performed for the gene, cDNA change, and amino acid change (where applicable). Publications were found based on this search. The evidence from the literature, in combination with allele frequency data from public databases where available, was sufficient to determine this variant is unlikely to cause disease. Therefore, this variant is classified as likely benign.

Literature cited by the submitters: PubMed 16247549.